The following is an entry in ClinVar:

ClinVar aggregate classification (germline): Pathogenic (1 of 4 stars; one submission).

Conditions:
PKD2-related disorder. Also called: PKD2-related condition.

Submission:

PreventionGenetics, part of Exact Sciences
Classification: Pathogenic for PKD2-related condition. Last evaluated: 2024-10-10. Review status: criteria provided, single submitter. Criteria: ACMG Guidelines, 2015. Collection method: clinical testing. Allele origin: germline.
Comment: The PKD2 c.658_659delGT variant is predicted to result in a frameshift and premature protein termination (p.Val220Phefs*49). To our knowledge, this variant has not been reported in the literature or in a large population database (gnomAD), indicating this variant is rare. Frameshift variants in PKD2 are expected to be pathogenic. This variant is interpreted as pathogenic.

NM_000297.4(PKD2):c.658_659del (p.Val220fs)

Gene: PKD2 (polycystin 2, transient receptor potential cation channel; plus strand). Cytogenetic location: 4q22.1.
Variant type: Microsatellite.
Coding change: c.658_659del on transcript NM_000297.4 (MANE Select); coding-DNA positions 658 to 659, 2 bases deleted (GT; older notation c.658_659delGT).
Protein change: p.Val220fs; shifts the reading frame from valine 220.
Molecular consequence: frameshift variant. On other transcripts: non-coding transcript variant (1).
Genome position (GRCh38, 1-based): chr4:88,019,520-88,019,521, GT deleted; deleting any 2 consecutive bases within chr4:88,019,518-88,019,521 gives the same sequence; the c. name uses the placement nearest the transcript's 3' end. VCF-style (leftmost placement, unchanged base first): chr4-88019517-AGT-A. GRCh37 (hg19) VCF-style: chr4-88940669-AGT-A.
Other names: c.658_659del, p.Val220fs (NM_001440544.1); short protein forms V220fs.
Identifiers: ClinVar variation 5001771 (VCV005001771.1).